The following is an entry in ClinVar:

NM_174934.4(SCN4B):c.214A>G (p.Ser72Gly)

Gene: SCN4B (sodium voltage-gated channel beta subunit 4; minus strand). Cytogenetic location: 11q23.3.
Variant type: single nucleotide variant.
Coding change: c.214A>G on transcript NM_174934.4 (MANE Select); coding-DNA position 214, A replaced by G.
Protein change: p.Ser72Gly; replaces serine 72 with glycine.
Molecular consequence: missense variant. On other transcripts: 5 prime UTR variant (1), non-coding transcript variant (1), intron variant (1).
Genome position (GRCh38, 1-based): chr11:118,145,077, T>C on the plus strand (A>G on the coding strand, the complement: SCN4B is on the minus strand). VCF-style: chr11-118145077-T-C. GRCh37 (hg19) VCF-style: chr11-118015792-T-C.
Other names: c.-117A>G (NM_001142349.2); c.62-3741A>G (NM_001142348.2); short protein forms S72G.
Identifiers: ClinVar variation 3666490 (VCV003666490.2).

ClinVar aggregate classification (germline): Uncertain significance (1 of 4 stars; one submission).

Conditions:
Long QT syndrome 10 (LQT10). Identifiers: Orphanet 101016, Orphanet 768, MedGen C2678484, MONDO:0012737, OMIM 611819.

gnomAD v4.1: 4 of 1,614,116 alleles (0.00025%); highest among the groups gnomAD compares: South Asian, 0.0033%; no homozygotes.

Submission:

Labcorp Genetics (formerly Invitae), Labcorp
Classification: Uncertain significance for Long QT syndrome 10. Last evaluated: 2024-05-25. Review status: criteria provided, single submitter. Criteria: Invitae Variant Classification Sherloc (09022015). Collection method: clinical testing. Allele origin: germline.
Comment: This sequence change replaces serine, which is neutral and polar, with glycine, which is neutral and non-polar, at codon 72 of the SCN4B protein (p.Ser72Gly). This variant is present in population databases (rs748378787, gnomAD 0.006%). This variant has not been reported in the literature in individuals affected with SCN4B-related conditions. Algorithms developed to predict the effect of missense changes on protein structure and function output the following: SIFT: "Not Available"; PolyPhen-2: "Benign"; Align-GVGD: "Not Available". The glycine amino acid residue is found in multiple mammalian species, which suggests that this missense change does not adversely affect protein function. In summary, the available evidence is currently insufficient to determine the role of this variant in disease. Therefore, it has been classified as a Variant of Uncertain Significance.